The following is an entry in ClinVar:

NM_001134363.3(RBM20):c.2024C>T (p.Ser675Phe)

Gene: RBM20 (RNA binding motif protein 20; plus strand). Cytogenetic location: 10q25.2.
Variant type: single nucleotide variant.
Coding change: c.2024C>T on transcript NM_001134363.3 (MANE Select); coding-DNA position 2024, C replaced by T.
Protein change: p.Ser675Phe; replaces serine 675 with phenylalanine.
Molecular consequence: missense variant.
Genome position (GRCh38, 1-based): chr10:110,812,421, C>T. VCF-style: chr10-110812421-C-T. GRCh37 (hg19) VCF-style: chr10-112572179-C-T.
Other names: short protein forms S675F.
Identifiers: ClinVar variation 864533 (VCV000864533.9), dbSNP rs1844781292, ClinGen allele CA378370986.

ClinVar aggregate classification (germline): Uncertain significance (1 of 4 stars; one submission).

Conditions:
Dilated cardiomyopathy 1DD (CMD1DD). Identifiers: Orphanet 154, MedGen C2750995, MONDO:0013168, OMIM 613172.

Submission:

Labcorp Genetics (formerly Invitae), Labcorp
Classification: Uncertain significance for Dilated cardiomyopathy 1DD. Last evaluated: 2022-03-09. Review status: criteria provided, single submitter. Criteria: Invitae Variant Classification Sherloc (09022015). Collection method: clinical testing. Allele origin: germline.
Comment: This variant is not present in population databases (gnomAD no frequency). This sequence change replaces serine, which is neutral and polar, with phenylalanine, which is neutral and non-polar, at codon 675 of the RBM20 protein (p.Ser675Phe). This variant has not been reported in the literature in individuals affected with RBM20-related conditions. ClinVar contains an entry for this variant (Variation ID: 864533). Advanced modeling of protein sequence and biophysical properties (such as structural, functional, and spatial information, amino acid conservation, physicochemical variation, residue mobility, and thermodynamic stability) performed at Invitae indicates that this missense variant is not expected to disrupt RBM20 protein function. In summary, the available evidence is currently insufficient to determine the role of this variant in disease. Therefore, it has been classified as a Variant of Uncertain Significance.